The following is an entry in ClinVar:

NM_003000.3(SDHB):c.643-11T>A

Gene: SDHB (succinate dehydrogenase complex iron sulfur subunit B; minus strand). Cytogenetic location: 1p36.13.
Variant type: single nucleotide variant.
Coding change: c.643-11T>A on transcript NM_003000.3 (MANE Select); 11 bases into the intron before coding-DNA position 643, T replaced by A.
Molecular consequence: intron variant.
Genome position (GRCh38, 1-based): chr1:17,022,741, A>T on the plus strand (T>A on the coding strand, the complement: SDHB is on the minus strand). VCF-style: chr1-17022741-A-T. GRCh37 (hg19) VCF-style: chr1-17349236-A-T.
Other names: c.589-11T>A (NM_001407361.1).
Identifiers: ClinVar variation 3378367 (VCV003378367.3).
Genomic context (GRCh38, chr1:17,022,741, plus strand): 5'-AGGCGCTCCTCTGTGAAGTCATCTCTGGAGTCAATCATCCAGCGATAGGCCTGGAAAACC[A>T]GGGATGATTAGCTGAGCTGCCAATCAACAGGCCAGAGCGGCACCCTGGCTCAACTCAAAG-3'

ClinVar aggregate classification (germline): Uncertain significance. Review status: criteria provided, multiple submitters, no conflicts (2 of 4 stars). 2 submissions from 2 submitters: Uncertain significance (2). Last evaluated 2024-07-19.

Conditions:
Pheochromocytoma. Also called: MAX-Related Hereditary Paraganglioma-Pheochromocytoma Syndrome. Identifiers: Orphanet 29072, MedGen C0031511, MONDO:0008233, OMIM 171300, HP:0002666.
Pheochromocytoma/paraganglioma syndrome 4. Also called: CAROTID BODY TUMORS AND MULTIPLE EXTRAADRENAL PHEOCHROMOCYTOMAS; PARAGANGLIOMA, FAMILIAL MALIGNANT; PARAGANGLIOMAS, HEREDITARY EXTRAADRENAL; PHEOCHROMOCYTOMA, FAMILIAL EXTRAADRENAL; Paragangliomas 4; SDHB-Related Hereditary Paraganglioma-Pheochromocytoma Syndrome (Paragangliomas 4). Identifiers: Orphanet 29072, MedGen C1861848, MONDO:0007273, OMIM 115310.
Gastrointestinal stromal tumor. Also called: Gastrointestinal stromal tumor, somatic; Gastrointestinal stroma tumor. Identifiers: Orphanet 44890, MedGen C0238198, MeSH D046152, MONDO:0011719, OMIM 606764, HP:0100723.

Submissions (2):

Labcorp Genetics (formerly Invitae), Labcorp
Classification: Uncertain significance for Gastrointestinal stromal tumor; Pheochromocytoma/paraganglioma syndrome 4; Pheochromocytoma. Last evaluated: 2024-07-19. Review status: criteria provided, single submitter. Criteria: Invitae Variant Classification Sherloc (09022015). Collection method: clinical testing. Allele origin: germline.
Comment: This sequence change falls in intron 6 of the SDHB gene. It does not directly change the encoded amino acid sequence of the SDHB protein. This variant is not present in population databases (gnomAD no frequency). This variant has not been reported in the literature in individuals affected with SDHB-related conditions. Algorithms developed to predict the effect of sequence changes on RNA splicing suggest that this variant may disrupt the consensus splice site. In summary, the available evidence is currently insufficient to determine the role of this variant in disease. Therefore, it has been classified as a Variant of Uncertain Significance.

GeneDx
Classification: Uncertain significance. Last evaluated: 2024-05-17. Review status: criteria provided, single submitter. Criteria: GeneDx Variant Classification Process June 2021. Collection method: clinical testing. Allele origin: germline. Affected: yes.
Comment: Not observed at significant frequency in large population cohorts (gnomAD); In silico analysis supports a deleterious effect on splicing; Has not been previously published as pathogenic or benign to our knowledge